The following is an entry in ClinVar:

NM_000070.3(CAPN3):c.2035_2036insAAACA (p.Thr679fs)

Gene: CAPN3 (calpain 3; plus strand). Cytogenetic location: 15q15.1.
Variant type: Insertion.
Coding change: c.2035_2036insAAACA on transcript NM_000070.3 (MANE Select); coding-DNA positions 2035 to 2036, AAACA inserted.
Protein change: p.Thr679fs; shifts the reading frame from threonine 679.
Molecular consequence: frameshift variant.
Genome position: GRCh38 VCF-style: chr15-42409825-T-TAACAA. GRCh37 (hg19) VCF-style: chr15-42702023-T-TAACAA.
Other names: c.1759_1760insAAACA, p.Thr587fs (NM_173087.2); c.499_500insAAACA, p.Thr167fs (NM_173088.2); c.2017_2018insAAACA, p.Thr673fs (NM_024344.2); c.40_41insAAACA, p.Thr14fs (NM_173089.2, NM_173090.2); short protein forms T167fs, T587fs, T673fs, T14fs, T679fs.
Identifiers: ClinVar variation 555136 (VCV000555136.5), dbSNP rs1555423021, ClinGen allele CA915946553.
Genomic context (GRCh38, chr15:42,409,825, plus strand): 5'-CCTCCTCTCCCTTCCTCCTCAGGACATGGAGATCTGTGCAGATGAGCTCAAGAAGGTCCT[T>TAACAA]AACACAGTCGTGAACAAACGTGAGTTGCTCAAACCAAATGGGGGTGGGGTGGGTGGGGAG-3'

ClinVar aggregate classification (germline): Pathogenic. Review status: criteria provided, single submitter (1 of 4 stars). 2 submissions from 2 submitters: Pathogenic (1). 1 of the submissions does not count toward it. Last evaluated 2023-11-12.

Conditions:
Autosomal recessive limb-girdle muscular dystrophy type 2A (LGMDR1). Also called: Muscular dystrophy, limb-girdle, type 2A, Amish; LEYDEN-MOEBIUS MUSCULAR DYSTROPHY; MUSCULAR DYSTROPHY, PELVOFEMORAL; Limb-girdle muscular dystrophy, type 2A; Calpainopathy. Identifiers: Orphanet 267, MedGen C1869123, MONDO:0009675, OMIM 253600. Disease mechanism: loss of function.

Submissions (2):

Labcorp Genetics (formerly Invitae), Labcorp
Classification: Pathogenic for Autosomal recessive limb-girdle muscular dystrophy type 2A. Last evaluated: 2023-11-12. Review status: criteria provided, single submitter. Criteria: Invitae Variant Classification Sherloc (09022015). Collection method: clinical testing. Allele origin: germline.
Comment: This sequence change creates a premature translational stop signal (p.Thr679Lysfs*5) in the CAPN3 gene. It is expected to result in an absent or disrupted protein product. Loss-of-function variants in CAPN3 are known to be pathogenic (PMID: 10330340, 15689361). This variant is not present in population databases (gnomAD no frequency). This variant has not been reported in the literature in individuals affected with CAPN3-related conditions. ClinVar contains an entry for this variant (Variation ID: 555136). For these reasons, this variant has been classified as Pathogenic.

Counsyl
Classification: Likely pathogenic for Autosomal recessive limb-girdle muscular dystrophy type 2A. Last evaluated: 2017-11-17. Review status: no assertion criteria provided. Collection method: clinical testing. Allele origin: unknown. Not counted in ClinVar's aggregate classification.

Literature cited by the submitters: PubMed 10330340 (cited by Labcorp Genetics (formerly Invitae), Labcorp); PubMed 15689361 (cited by Labcorp Genetics (formerly Invitae), Labcorp).